The following is an entry in ClinVar:

NM_206937.2(LIG4):c.757A>G (p.Ile253Val)

Gene: LIG4 (DNA ligase 4; minus strand). Cytogenetic location: 13q33.3.
Variant type: single nucleotide variant.
Coding change: c.757A>G on transcript NM_206937.2 (MANE Select); coding-DNA position 757, A replaced by G.
Protein change: p.Ile253Val; replaces isoleucine 253 with valine.
Molecular consequence: missense variant.
Genome position (GRCh38, 1-based): chr13:108,210,512, T>C on the plus strand (A>G on the coding strand, the complement: LIG4 is on the minus strand). VCF-style: chr13-108210512-T-C. GRCh37 (hg19) VCF-style: chr13-108862860-T-C.
Other names: c.757A>G, p.Ile253Val (NM_001098268.2, NM_001352598.2, NM_001352599.2 and 6 more transcripts); c.556A>G, p.Ile186Val (NM_001330595.2); c.793A>G, p.Ile265Val (NM_001352604.2); short protein forms I253V, I265V, I186V.
Identifiers: ClinVar variation 1981148 (VCV001981148.2), dbSNP rs778710265, ClinGen allele CA7043801.

ClinVar aggregate classification (germline): Uncertain significance (1 of 4 stars; one submission).

Conditions:
DNA ligase IV deficiency. Identifiers: Orphanet 99812, MedGen C1847827, MONDO:0011686, OMIM 606593.

Allele frequency attached by ClinVar (database versions not stated): ExAC 0.00001; gnomAD exomes 0.00001.
gnomAD v4.1: 3 of 1,612,792 alleles (0.00019%); highest among the groups gnomAD compares: South Asian, 0.0011%; no homozygotes.

Submission:

Labcorp Genetics (formerly Invitae), Labcorp
Classification: Uncertain significance for DNA ligase IV deficiency. Last evaluated: 2022-05-30. Review status: criteria provided, single submitter. Criteria: Invitae Variant Classification Sherloc (09022015). Collection method: clinical testing. Allele origin: germline.
Comment: In summary, the available evidence is currently insufficient to determine the role of this variant in disease. Therefore, it has been classified as a Variant of Uncertain Significance. Algorithms developed to predict the effect of missense changes on protein structure and function output the following: SIFT: "Tolerated"; PolyPhen-2: "Benign"; Align-GVGD: "Class C0". The valine amino acid residue is found in multiple mammalian species, which suggests that this missense change does not adversely affect protein function. This variant has not been reported in the literature in individuals affected with LIG4-related conditions. The frequency data for this variant in the population databases is considered unreliable, as metrics indicate poor data quality at this position in the gnomAD database. This sequence change replaces isoleucine, which is neutral and non-polar, with valine, which is neutral and non-polar, at codon 253 of the LIG4 protein (p.Ile253Val).